The following is an entry in ClinVar:

NM_144672.4(OTOA):c.1292T>C (p.Leu431Ser)

Gene: OTOA (otoancorin). Cytogenetic location: 16p12.2.
Variant type: single nucleotide variant.
Coding change: c.1292T>C on transcript NM_144672.4 (MANE Select); coding-DNA position 1292, T replaced by C.
Protein change: p.Leu431Ser; replaces leucine 431 with serine.
Molecular consequence: missense variant.
Genome position (GRCh38, 1-based): chr16:21,710,075, T>C. VCF-style: chr16-21710075-T-C. GRCh37 (hg19) VCF-style: chr16-21721396-T-C.
Other names: c.1055T>C, p.Leu352Ser (NM_001161683.2); c.320T>C, p.Leu107Ser (NM_170664.3); short protein forms L431S, L107S, L352S.
Identifiers: ClinVar variation 667290 (VCV000667290.4), dbSNP rs1332276288, ClinGen allele CA395062709.

ClinVar aggregate classification (germline): Uncertain significance (1 of 4 stars; one submission).

Allele frequency attached by ClinVar (database versions not stated): TOPMed below 0.00001; gnomAD exomes 0.00001.
gnomAD v4.1: 3 of 1,613,776 alleles (0.00019%); highest among the groups gnomAD compares: Admixed American, 0.005%; no homozygotes.

Submission:

Laboratory for Molecular Medicine, Mass General Brigham Personalized Medicine
Classification: Uncertain significance. Last evaluated: 2018-05-18. Review status: criteria provided, single submitter. Criteria: LMM Criteria. Collection method: clinical testing. Allele origin: germline. Observed: 1 variant allele.
Comment: The p.Leu431Ser variant in OTOA has not been previously reported in individuals with hearing loss. This variant has been identified in 2/33488 of Latino chromos omes by the Genome Aggregation Database (gnomAD, g; dbSNP rs1332276288). Computational prediction tools and conservation analysis suggest that the p.Leu431Ser variant may impact the protein, though this inform ation is not predictive enough to determine pathogenicity. In summary, the clini cal significance of the p.Leu431Ser variant is uncertain. ACMG/AMP Criteria app lied: PM2; PP3.